The following is an entry in ClinVar:

ClinVar aggregate classification (germline): Likely benign. Review status: criteria provided, multiple submitters, no conflicts (2 of 4 stars). 2 submissions from 2 submitters: Likely benign (2). Last evaluated 2024-02-13.

Conditions:
Pyridoxal phosphate-responsive seizures (PNPOD). Also called: SEIZURES, PYRIDOXINE-RESISTANT, PLP-SENSITIVE; Pyridoxamine 5-Prime-Phosphate Oxidase Deficiency; Pyridoxine-5'-phosphate oxidase deficiency; Pyridoxal 5'-Phosphate (PLP)-Dependent Epilepsy; EPILEPTIC ENCEPHALOPATHY, NEONATAL, PNPO-RELATED. Identifiers: Orphanet 79096, MedGen C1864723, MONDO:0012407, OMIM 610090. Disease mechanism: loss of function.

Allele frequency attached by ClinVar (database versions not stated): gnomAD 0.00003; TOPMed 0.00001; gnomAD exomes 0.00007; ExAC 0.00008; 1000 Genomes Project 30x 0.00016; 1000 Genomes Project 0.00020.
gnomAD v4.1: 62 of 1,613,888 alleles (0.0038%); highest among the groups gnomAD compares: East Asian, 0.13%; no homozygotes.

Submissions (2):

Labcorp Genetics (formerly Invitae), Labcorp
Classification: Likely benign for Pyridoxal phosphate-responsive seizures. Last evaluated: 2024-02-13. Review status: criteria provided, single submitter. Criteria: Invitae Variant Classification Sherloc (09022015). Collection method: clinical testing. Allele origin: germline.

GeneDx
Classification: Likely benign. Last evaluated: 2018-04-05. Review status: criteria provided, single submitter. Criteria: GeneDx Variant Classification (06012015). Collection method: clinical testing. Allele origin: germline. Affected: yes.
Comment: This variant is considered likely benign or benign based on one or more of the following criteria: it is a conservative change, it occurs at a poorly conserved position in the protein, it is predicted to be benign by multiple in silico algorithms, and/or has population frequency not consistent with disease.

NM_018129.4(PNPO):c.540T>C (p.Asp180=)

Gene: PNPO (pyridoxamine 5'-phosphate oxidase; plus strand). Cytogenetic location: 17q21.32.
Variant type: single nucleotide variant.
Coding change: c.540T>C on transcript NM_018129.4 (MANE Select); coding-DNA position 540, T replaced by C.
Protein change: p.Asp180=; no amino-acid change (aspartic acid 180 retained).
Molecular consequence: synonymous variant.
Genome position (GRCh38, 1-based): chr17:47,945,983, T>C. VCF-style: chr17-47945983-T-C. GRCh37 (hg19) VCF-style: chr17-46023349-T-C.
Identifiers: ClinVar variation 468362 (VCV000468362.11), dbSNP rs200428415, ClinGen allele CA8629216.